The following is an entry in ClinVar:

ClinVar aggregate classification (germline): Likely pathogenic (1 of 4 stars; one submission).

Conditions:
Familial dysautonomia. Also called: HSAN III; FD. Identifiers: Orphanet 1764, MedGen C0013364, MONDO:0009131, OMIM 223900. Disease mechanism: loss of function.

Submission:

Natera, Inc.
Classification: Likely pathogenic for Familial dysautonomia. Last evaluated: 2024-12-30. Review status: criteria provided, single submitter. Criteria: Natera Variant Classification Schema (03/2026). Collection method: clinical testing. Allele origin: germline.
Comment: The c.741-1G>T variant in ELP1 is a canonical splice acceptor site variant predicted to affect pre-mRNA splicing, which may result in an abnormal transcript and altered protein product. This variant is expected to result in nonsense mediated decay, truncation, or a dysfunctional protein product. This variant is rare in the general population with a frequency below the threshold expected for the associated phenotype(s). Given the available evidence, this variant is classified as Likely Pathogenic.

NM_003640.5(ELP1):c.741-1G>T

Gene: ELP1 (elongator acetyltransferase complex subunit 1; minus strand). Cytogenetic location: 9q31.3.
Variant type: single nucleotide variant.
Coding change: c.741-1G>T on transcript NM_003640.5 (MANE Select); the canonical splice acceptor site of the intron before coding-DNA position 741, G replaced by T.
Molecular consequence: splice acceptor variant.
Genome position (GRCh38, 1-based): chr9:108,917,671, C>A on the plus strand (G>T on the coding strand, the complement: ELP1 is on the minus strand). VCF-style: chr9-108917671-C-A. GRCh37 (hg19) VCF-style: chr9-111679951-C-A.
Other names: c.399-1G>T (NM_001318360.2); c.-307-1G>T (NM_001330749.2).
Identifiers: ClinVar variation 4815248 (VCV004815248.1).